The following is an entry in ClinVar:

ClinVar aggregate classification (germline): Pathogenic (1 of 4 stars; one submission).

Conditions:
Fanconi anemia (FA). Also called: Fanconi's anemia. Identifiers: Orphanet 84, MedGen C0015625, MeSH D005199, MONDO:0019391.

Submission:

Labcorp Genetics (formerly Invitae), Labcorp
Classification: Pathogenic for Fanconi anemia. Last evaluated: 2022-04-09. Review status: criteria provided, single submitter. Criteria: Invitae Variant Classification Sherloc (09022015). Collection method: clinical testing. Allele origin: germline.
Comment: ClinVar contains an entry for this variant (Variation ID: 1070466). This variant has not been reported in the literature in individuals affected with FANCA-related conditions. This variant is not present in population databases (gnomAD no frequency). This sequence change creates a premature translational stop signal (p.Phe1052Profs*63) in the FANCA gene. It is expected to result in an absent or disrupted protein product. Loss-of-function variants in FANCA are known to be pathogenic (PMID: 19367192). For these reasons, this variant has been classified as Pathogenic.

Literature cited by the submitters: PubMed 19367192.

NM_000135.4(FANCA):c.3154_3155del (p.Phe1052fs)

Gene: FANCA (FA complementation group A; minus strand). Cytogenetic location: 16q24.3.
Variant type: Deletion.
Coding change: c.3154_3155del on transcript NM_000135.4 (MANE Select); coding-DNA positions 3154 to 3155, 2 bases deleted (TT; older notation c.3154_3155delTT).
Protein change: p.Phe1052fs; shifts the reading frame from phenylalanine 1052.
Molecular consequence: frameshift variant.
Genome position (GRCh38, 1-based): chr16:89,749,814-89,749,815, AA deleted on the plus strand (TT on the coding strand, the reverse complement: FANCA is on the minus strand); deleting any 2 consecutive bases within chr16:89,749,814-89,749,817 gives the same sequence; the c. name uses the placement nearest the transcript's 3' end. VCF-style (leftmost placement, unchanged base first): chr16-89749813-GAA-G. GRCh37 (hg19) VCF-style: chr16-89816221-GAA-G.
Other names: c.3154_3155del, p.Phe1052fs (NM_001286167.3); short protein forms F1052fs.
Identifiers: ClinVar variation 1070466 (VCV001070466.7), dbSNP rs2143139061, ClinGen allele CA2499223855.